The following is an entry in ClinVar:

ClinVar aggregate classification (germline): Conflicting classifications of pathogenicity. Review status: criteria provided, conflicting classifications (1 of 4 stars). 2 submissions from 2 submitters: Pathogenic (1); Uncertain significance (1). Last evaluated 2025-06-19.

Conditions:
GUCY2D-related disorders.
GUCY2D-related disorder. Also called: GUCY2D-related condition.

gnomAD v4.1: 20 of 1,613,960 alleles (0.0012%); highest among the groups gnomAD compares: Non-Finnish European, 0.0016%; no homozygotes.

Submissions (2):

3billion
Classification: Uncertain significance for GUCY2D-related disorder. Last evaluated: 2025-06-19. Review status: criteria provided, single submitter. Criteria: ACMG Guidelines, 2015. Collection method: clinical testing. Allele origin: germline. Affected: yes.
Comment: The variant is observed at an extremely low frequency in the gnomAD v4.1.0 dataset (total allele frequency: 0.001%). Predicted Consequence/Location: Missense variant In silico tool predictions suggest damaging effect of the variant on gene or gene product [3Cnet: 0.80 (> 0.75, sensitivity 0.96 and precision 0.92)]. Different missense changes at the same codon (p.Phe730Leu, p.Phe730Ser) have been reported to be associated with GUCY2D-related disorder (PMID: 26352687, 32141364). Therefore, this variant is classified as VUS according to the recommendation of ACMG/AMP guideline.

Blueprint Genetics
Classification: Pathogenic for GUCY2D-related disorders. Last evaluated: 2024-05-03. Review status: criteria provided, single submitter. Criteria: ACMG Guidelines, 2015. Collection method: clinical testing. Allele origin: germline. Affected: yes. Observed: 4 variant alleles.

Literature cited by the submitters: PubMed 26352687 (cited by 3billion).

NM_000180.4(GUCY2D):c.2188T>G (p.Phe730Val)

Gene: GUCY2D (guanylate cyclase 2D, retinal; plus strand). Cytogenetic location: 17p13.1.
Variant type: single nucleotide variant.
Coding change: c.2188T>G on transcript NM_000180.4 (MANE Select); coding-DNA position 2188, T replaced by G.
Protein change: p.Phe730Val; replaces phenylalanine 730 with valine.
Molecular consequence: missense variant.
Genome position (GRCh38, 1-based): chr17:8,013,177, T>G. VCF-style: chr17-8013177-T-G. GRCh37 (hg19) VCF-style: chr17-7916495-T-G.
Other names: short protein forms F730V.
Identifiers: ClinVar variation 4854872 (VCV004854872.2).